The following is an entry in ClinVar:

ClinVar aggregate classification (germline): Uncertain significance. Review status: criteria provided, multiple submitters, no conflicts (2 of 4 stars). 2 submissions from 2 submitters: Uncertain significance (2). Last evaluated 2024-06-03.

gnomAD v4.1: 2 of 1,613,104 alleles (0.00012%); highest among the groups gnomAD compares: African/African-American, 0.0027%; no homozygotes.

Submissions (2):

GeneDx
Classification: Uncertain significance. Last evaluated: 2024-06-03. Review status: criteria provided, single submitter. Criteria: GeneDx Variant Classification Process June 2021. Collection method: clinical testing. Allele origin: germline. Affected: yes.
Comment: Not observed at significant frequency in large population cohorts (gnomAD); Missense variant in a gene in which most reported pathogenic variants are truncating/loss of function; Has not been previously published as pathogenic or benign to our knowledge

Revvity Omics, Revvity
Classification: Uncertain significance. Last evaluated: 2024-04-03. Review status: criteria provided, single submitter. Criteria: ACMG Guidelines, 2015. Collection method: clinical testing. Allele origin: germline.

NM_001267550.2(TTN):c.64286C>T (p.Thr21429Ile)

Genes: TTN (titin; minus strand), TTN-AS1 (TTN antisense RNA 1; plus strand). Cytogenetic location: 2q31.2.
Variant type: single nucleotide variant.
Coding change: c.64286C>T on transcript NM_001267550.2 (MANE Select); coding-DNA position 64286, C replaced by T.
Protein change: p.Thr21429Ile; replaces threonine 21429 with isoleucine.
Molecular consequence: missense variant.
Genome position (GRCh38, 1-based): chr2:178,586,615, G>A on the plus strand (C>T on the coding strand, the complement: TTN is on the minus strand). VCF-style: chr2-178586615-G-A. GRCh37 (hg19) VCF-style: chr2-179451342-G-A.
Other names: c.59363C>T, p.Thr19788Ile (NM_001256850.1); c.37091C>T, p.Thr12364Ile (NM_003319.4); c.56582C>T, p.Thr18861Ile (NM_133378.4); c.37466C>T, p.Thr12489Ile (NM_133432.3); c.37667C>T, p.Thr12556Ile (NM_133437.4); short protein forms T12364I, T12489I, T12556I, T18861I, T19788I, T21429I.
Identifiers: ClinVar variation 3384598 (VCV003384598.2).